The following is an entry in ClinVar:

NM_002470.4(MYH3):c.2652G>C (p.Glu884Asp)

Gene: MYH3 (myosin heavy chain 3; minus strand). Cytogenetic location: 17p13.1.
Variant type: single nucleotide variant.
Coding change: c.2652G>C on transcript NM_002470.4 (MANE Select); coding-DNA position 2652, G replaced by C.
Protein change: p.Glu884Asp; replaces glutamic acid 884 with aspartic acid.
Molecular consequence: missense variant.
Genome position (GRCh38, 1-based): chr17:10,640,026, C>G on the plus strand (G>C on the coding strand, the complement: MYH3 is on the minus strand). VCF-style: chr17-10640026-C-G. GRCh37 (hg19) VCF-style: chr17-10543343-C-G.
Other names: short protein forms E884D.
Identifiers: ClinVar variation 2078021 (VCV002078021.4), dbSNP rs1378829842, ClinGen allele CA398161097.
Genomic context (GRCh38, chr17:10,640,026, plus strand): 5'-AAAAAAAAAAAAAGATTGCTAAACACGTACAGCTTGTACTTGGAGCTGCAGGTCATTCTT[C>G]TCTTGGACCAGAGTCACCAGTTTTTCCTCTAGCTCCTTCCTTTTTGCCTCCGACTTGGCG-3'
Protein context (NP_002461.2, residues 874-894): LEEKLVTLVQ[Glu884Asp]KNDLQLQVQA

ClinVar aggregate classification (germline): Uncertain significance (1 of 4 stars; one submission).

Allele frequency attached by ClinVar (database versions not stated): gnomAD exomes below 0.00001; TOPMed 0.00001.

Submission:

Labcorp Genetics (formerly Invitae), Labcorp
Classification: Uncertain significance. Last evaluated: 2022-05-27. Review status: criteria provided, single submitter. Criteria: Invitae Variant Classification Sherloc (09022015). Collection method: clinical testing. Allele origin: germline.
Comment: In summary, the available evidence is currently insufficient to determine the role of this variant in disease. Therefore, it has been classified as a Variant of Uncertain Significance. Algorithms developed to predict the effect of missense changes on protein structure and function (SIFT, PolyPhen-2, Align-GVGD) all suggest that this variant is likely to be disruptive. This variant has not been reported in the literature in individuals affected with MYH3-related conditions. This variant is not present in population databases (gnomAD no frequency). This sequence change replaces glutamic acid, which is acidic and polar, with aspartic acid, which is acidic and polar, at codon 884 of the MYH3 protein (p.Glu884Asp).